The following is an entry in ClinVar:

ClinVar aggregate classification (germline): Uncertain significance. Review status: criteria provided, multiple submitters, no conflicts (2 of 4 stars). 2 submissions from 2 submitters: Uncertain significance (2). Last evaluated 2022-09-25.

Conditions:
Inborn genetic diseases. Identifiers: MedGen C0950123, MeSH D030342.

Allele frequency attached by ClinVar (database versions not stated): ExAC 0.00001; gnomAD exomes 0.00002; TOPMed 0.00002.
gnomAD v4.1: 31 of 1,611,784 alleles (0.0019%); highest among the groups gnomAD compares: East Asian, 0.0045%; no homozygotes.

Submissions (2):

Ambry Genetics
Classification: Uncertain significance for Inborn genetic diseases. Last evaluated: 2022-09-25. Review status: criteria provided, single submitter. Criteria: Ambry Variant Classification Scheme 2023. Collection method: clinical testing. Allele origin: germline.

Labcorp Genetics (formerly Invitae), Labcorp
Classification: Uncertain significance. Last evaluated: 2022-08-16. Review status: criteria provided, single submitter. Criteria: Invitae Variant Classification Sherloc (09022015). Collection method: clinical testing. Allele origin: germline.
Comment: In summary, the available evidence is currently insufficient to determine the role of this variant in disease. Therefore, it has been classified as a Variant of Uncertain Significance. Algorithms developed to predict the effect of missense changes on protein structure and function are either unavailable or do not agree on the potential impact of this missense change (SIFT: "Deleterious"; PolyPhen-2: "Possibly Damaging"; Align-GVGD: "Class C0"). This variant has not been reported in the literature in individuals affected with LAMA1-related conditions. This variant is present in population databases (rs746664690, gnomAD 0.004%). This sequence change replaces arginine, which is basic and polar, with tryptophan, which is neutral and slightly polar, at codon 1209 of the LAMA1 protein (p.Arg1209Trp).

NM_005559.4(LAMA1):c.3625C>T (p.Arg1209Trp)

Gene: LAMA1 (laminin subunit alpha 1; minus strand). Cytogenetic location: 18p11.31.
Variant type: single nucleotide variant.
Coding change: c.3625C>T on transcript NM_005559.4 (MANE Select); coding-DNA position 3625, C replaced by T.
Protein change: p.Arg1209Trp; replaces arginine 1209 with tryptophan.
Molecular consequence: missense variant.
Genome position (GRCh38, 1-based): chr18:7,011,362, G>A on the plus strand (C>T on the coding strand, the complement: LAMA1 is on the minus strand). VCF-style: chr18-7011362-G-A. GRCh37 (hg19) VCF-style: chr18-7011361-G-A.
Other names: c.3625C>T (NM_005559.3); short protein forms R1209W.
Identifiers: ClinVar variation 2196188 (VCV002196188.5), dbSNP rs746664690, ClinGen allele CA8882214.
Genomic context (GRCh38, chr18:7,011,362, plus strand): 5'-GGTCTCCTTGGAACTGCTGCGGCAGCCGCCAGTAAAACGGCTCTGCACGGATGTGCTGCC[G>A]GACGGTGGCGGCATCCAGCAGGAAGTCGGGGGCCTGGTAGTAAACCCCCTCGGTCGTGCC-3'
Protein context (NP_005550.2, residues 1199-1219): PDFLLDAATV[Arg1209Trp]QHIRAEPFYW